The following is an entry in ClinVar:

ClinVar aggregate classification (germline): Pathogenic/Likely pathogenic. Review status: criteria provided, multiple submitters, no conflicts (2 of 4 stars). 7 submissions from 7 submitters: Pathogenic (2); Likely pathogenic (5). Last evaluated 2025-06-27.

Conditions:
OCA2-related disorder. Also called: OCA2-related condition.
Tyrosinase-positive oculocutaneous albinism (OCA2). Also called: ALBINISM II; Albinism, oculocutaneous, type II; Oculocutaneous albinism type 2. Identifiers: Orphanet 79432, MedGen C0268495, MONDO:0008746, OMIM 203200.
SKIN/HAIR/EYE PIGMENTATION 1, BLUE/NONBLUE EYES (SHEP1). Also called: BROWN EYE COLOR 2; SKIN/HAIR/EYE PIGMENTATION 1, BLOND/BROWN HAIR; SKIN/HAIR/EYE PIGMENTATION 1, BLUE/BROWN EYES; EYE COLOR 3; EYE COLOR, BLUE/NONBLUE; EYE COLOR, BROWN/BLUE. Identifiers: MedGen C1856895, OMIM 227220.

Allele frequency attached by ClinVar (database versions not stated): gnomAD exomes below 0.00001; TOPMed below 0.00001; ExAC 0.00001; gnomAD 0.00001.
gnomAD v4.1: 7 of 1,613,860 alleles (0.00043%); highest among the groups gnomAD compares: African/African-American, 0.0093%; no homozygotes.

Submissions (7):

Women's Health and Genetics/Laboratory Corporation of America, LabCorp
Classification: Likely pathogenic for Tyrosinase-positive oculocutaneous albinism. Last evaluated: 2025-06-27. Review status: criteria provided, single submitter. Criteria: LabCorp Variant Classification Summary - May 2015. Collection method: clinical testing. Allele origin: germline.
Comment: Variant summary: OCA2 c.1178G>T (p.Gly393Val) results in a non-conservative amino acid change located in the Citrate transporter-like domain (IPR004680) of the encoded protein sequence. Algorithms developed to predict the effect of missense changes on protein structure and function all suggest that this variant is likely to be disruptive. The variant allele was found at a frequency of 4e-06 in 251300 control chromosomes. c.1178G>T has been observed in individuals affected with Tyrosinase-Positive Oculocutaneous Albinism (e.g., Ma_2021, Wei_2022, internal data). These data indicate that the variant is likely to be associated with disease. To our knowledge, no experimental evidence demonstrating an impact on protein function has been reported. The following publications have been ascertained in the context of this evaluation (PMID: 34707637, 34838614). ClinVar contains an entry for this variant (Variation ID: 1388008). Based on the evidence outlined above, the variant was classified as likely pathogenic.

GeneDx
Classification: Likely pathogenic. Last evaluated: 2025-04-01. Review status: criteria provided, single submitter. Criteria: GeneDx Variant Classification Process June 2021. Collection method: clinical testing. Allele origin: germline. Affected: yes.
Comment: Not observed at significant frequency in large population cohorts (gnomAD); In silico analysis, which includes protein predictors and evolutionary conservation, supports a deleterious effect; This variant is associated with the following publications: (PMID: 34707637, 34838614)

3billion
Classification: Likely pathogenic for Tyrosinase-positive oculocutaneous albinism. Last evaluated: 2024-07-23. Review status: criteria provided, single submitter. Criteria: ACMG Guidelines, 2015. Collection method: clinical testing. Allele origin: germline. Affected: yes.
Comment: The variant is observed at an extremely low frequency in the gnomAD v4.0.0 dataset (total allele frequency: <0.001%). Predicted Consequence/Location: Missense variant In silico tool predictions suggest damaging effect of the variant on gene or gene product [REVEL: 0.95 (>=0.6, sensitivity 0.68 and specificity 0.92); 3Cnet: 0.91 (>=0.6, sensitivity 0.72 and precision 0.9)]. The same nucleotide change resulting in the same amino acid change has been previously reported as pathogenic/likely pathogenic with strong evidence (ClinVar ID: VCV001388008). A different missense change at the same codon (p.Gly393Ser) has been reported to be associated with OCA2 related disorder (PMID: 34838614). Therefore, this variant is classified as Likely pathogenic according to the recommendation of ACMG/AMP guideline.

Labcorp Genetics (formerly Invitae), Labcorp
Classification: Pathogenic. Last evaluated: 2024-06-13. Review status: criteria provided, single submitter. Criteria: Invitae Variant Classification Sherloc (09022015). Collection method: clinical testing. Allele origin: germline.
Comment: This sequence change replaces glycine, which is neutral and non-polar, with valine, which is neutral and non-polar, at codon 393 of the OCA2 protein (p.Gly393Val). This variant is present in population databases (rs749661379, gnomAD 0.007%). This missense change has been observed in individual(s) with oculocutaneous albinism (PMID: 34707637; Invitae). In at least one individual the data is consistent with being in trans (on the opposite chromosome) from a pathogenic variant. ClinVar contains an entry for this variant (Variation ID: 1388008). Advanced modeling of protein sequence and biophysical properties (such as structural, functional, and spatial information, amino acid conservation, physicochemical variation, residue mobility, and thermodynamic stability) performed at Invitae indicates that this missense variant is expected to disrupt OCA2 protein function with a positive predictive value of 80%. For these reasons, this variant has been classified as Pathogenic.

Laboratory for Molecular Medicine, Mass General Brigham Personalized Medicine
Classification: Likely pathogenic for Tyrosinase-positive oculocutaneous albinism. Last evaluated: 2024-04-16. Review status: criteria provided, single submitter. Criteria: ACMG Guidelines, 2015. Collection method: clinical testing. Allele origin: germline. Inheritance: Autosomal recessive inheritance.
Comment: The p.Gly393Val variant in OCA2 has been reported in the homozygous state in 1 individual and in the compound heterozygous state with another potentially disease-causing variant in 3 individuals with oculocutaneous albinism, and the variants were confirmed in trans in at least 1 individual (Ma 2021 PMID: 34707637, Wei 2022 PMID: 34838614, Invitae pers. comm.). This variant has also been reported by other clinical laboratories in ClinVar (Variation ID: 1388008) and has been identified in 0.009% (7/74926) of African/African American chromosomes by gnomAD (v4.0.0), consistent with a recessive carrier frequency. Computational prediction tools and conservation analyses suggest that this variant may impact the protein. In summary, although additional studies are required to fully establish its clinical significance, this variant meets criteria to be classified as likely pathogenic for autosomal recessive oculocutaneous albinism. ACMG/AMP Criteria applied: PM3_Strong, PM2_Supporting, PP3.

Fulgent Genetics
Classification: Likely pathogenic for Tyrosinase-positive oculocutaneous albinism; SKIN/HAIR/EYE PIGMENTATION 1, BLUE/NONBLUE EYES. Last evaluated: 2024-03-19. Review status: criteria provided, single submitter. Criteria: ACMG Guidelines, 2015. Collection method: clinical testing. Allele origin: germline.

Blueprint Genetics
Classification: Pathogenic for OCA2-related disorders. Last evaluated: 2020-08-28. Review status: criteria provided, single submitter. Criteria: ACMG Guidelines, 2015. Collection method: clinical testing. Allele origin: germline. Affected: yes. Observed: 4 variant alleles.

Literature cited by the submitters: PubMed 34707637 (cited by 3 submitters); PubMed 34838614 (cited by 3 submitters).

NM_000275.3(OCA2):c.1178G>T (p.Gly393Val)

Gene: OCA2 (OCA2 melanosomal transmembrane protein; minus strand). Cytogenetic location: 15q13.1.
Variant type: single nucleotide variant.
Coding change: c.1178G>T on transcript NM_000275.3 (MANE Select); coding-DNA position 1178, G replaced by T.
Protein change: p.Gly393Val; replaces glycine 393 with valine.
Molecular consequence: missense variant.
Genome position (GRCh38, 1-based): chr15:27,989,605, C>A on the plus strand (G>T on the coding strand, the complement: OCA2 is on the minus strand). VCF-style: chr15-27989605-C-A. GRCh37 (hg19) VCF-style: chr15-28234751-C-A.
Other names: c.1178G>T (NM_000275.2); c.1106G>T, p.Gly369Val (NM_001300984.2); short protein forms G393V, G369V.
Identifiers: ClinVar variation 1388008 (VCV001388008.14), dbSNP rs749661379, ClinGen allele CA7439181.
Genomic context (GRCh38, chr15:27,989,605, plus strand): 5'-GAAGGCCCGGTTACCGCAGGCGTGGAGCCCAGTCCCACGGGGAGAGCTGTAATTACCATG[C>A]CAAACAGCAGGGCCAGCGTCTCAAAATCAATCCACTCCACCACATGGGTCAGGCTGGGTC-3'
Protein context (NP_000266.2, residues 383-403): IDFETLALLF[Gly393Val]MMILVAIFSE